The following is an entry in ClinVar:

ClinVar aggregate classification (germline): Uncertain significance (1 of 4 stars; one submission).

Conditions:
Schimke immuno-osseous dysplasia (SIOD). Also called: Schimke Immunoosseous Dysplasia. Identifiers: Orphanet 1830, MedGen C0877024, MONDO:0009458, OMIM 242900.

Submission:

Labcorp Genetics (formerly Invitae), Labcorp
Classification: Uncertain significance for Schimke immuno-osseous dysplasia. Last evaluated: 2023-06-09. Review status: criteria provided, single submitter. Criteria: Invitae Variant Classification Sherloc (09022015). Collection method: clinical testing. Allele origin: germline.
Comment: In summary, the available evidence is currently insufficient to determine the role of this variant in disease. Therefore, it has been classified as a Variant of Uncertain Significance. Advanced modeling of protein sequence and biophysical properties (such as structural, functional, and spatial information, amino acid conservation, physicochemical variation, residue mobility, and thermodynamic stability) performed at Invitae indicates that this missense variant is expected to disrupt SMARCAL1 protein function. This variant has not been reported in the literature in individuals affected with SMARCAL1-related conditions. This variant is not present in population databases (gnomAD no frequency). This sequence change replaces arginine, which is basic and polar, with proline, which is neutral and non-polar, at codon 23 of the SMARCAL1 protein (p.Arg23Pro).

NM_014140.4(SMARCAL1):c.68G>C (p.Arg23Pro)

Gene: SMARCAL1 (SNF2 related chromatin remodeling annealing helicase 1; plus strand). Cytogenetic location: 2q35.
Variant type: single nucleotide variant.
Coding change: c.68G>C on transcript NM_014140.4 (MANE Select); coding-DNA position 68, G replaced by C.
Protein change: p.Arg23Pro; replaces arginine 23 with proline.
Molecular consequence: missense variant.
Genome position (GRCh38, 1-based): chr2:216,414,772, G>C. VCF-style: chr2-216414772-G-C. GRCh37 (hg19) VCF-style: chr2-217279495-G-C.
Other names: c.68G>C, p.Arg23Pro (NM_001127207.2); short protein forms R23P.
Identifiers: ClinVar variation 2837612 (VCV002837612.3), dbSNP rs866396456, ClinGen allele CA350496314.